The following is an entry in ClinVar:

NM_005529.7(HSPG2):c.4234G>A (p.Gly1412Ser)

Gene: HSPG2 (heparan sulfate proteoglycan 2; minus strand). Cytogenetic location: 1p36.12.
Variant type: single nucleotide variant.
Coding change: c.4234G>A on transcript NM_005529.7 (MANE Select); coding-DNA position 4234, G replaced by A.
Protein change: p.Gly1412Ser; replaces glycine 1412 with serine.
Molecular consequence: missense variant.
Genome position (GRCh38, 1-based): chr1:21,865,797, C>T on the plus strand (G>A on the coding strand, the complement: HSPG2 is on the minus strand). VCF-style: chr1-21865797-C-T. GRCh37 (hg19) VCF-style: chr1-22192290-C-T.
Other names: c.4237G>A, p.Gly1413Ser (NM_001291860.2); short protein forms G1412S, G1413S.
Identifiers: ClinVar variation 196906 (VCV000196906.10), dbSNP rs146184130, ClinGen allele CA244703.

ClinVar aggregate classification (germline): Uncertain significance. Review status: criteria provided, multiple submitters, no conflicts (2 of 4 stars). 4 submissions from 4 submitters: Uncertain significance (4). Last evaluated 2025-01-07.

Allele frequency attached by ClinVar (database versions not stated): TOPMed 0.00018; 1000 Genomes Project 30x 0.00031; 1000 Genomes Project 0.00040; gnomAD exomes 0.00007 and 0.00011; ESP Exome Variant Server 0.00008; gnomAD 0.00013; ExAC 0.00014.
gnomAD v4.1: 121 of 1,613,622 alleles (0.0075%); highest among the groups gnomAD compares: African/African-American, 0.051%; no homozygotes.

Submissions (4):

Labcorp Genetics (formerly Invitae), Labcorp
Classification: Uncertain significance. Last evaluated: 2025-01-07. Review status: criteria provided, single submitter. Criteria: Invitae Variant Classification Sherloc (09022015). Collection method: clinical testing. Allele origin: germline.
Comment: This sequence change replaces glycine, which is neutral and non-polar, with serine, which is neutral and polar, at codon 1412 of the HSPG2 protein (p.Gly1412Ser). This variant is present in population databases (rs146184130, gnomAD 0.04%). This variant has not been reported in the literature in individuals affected with HSPG2-related conditions. ClinVar contains an entry for this variant (Variation ID: 196906). An algorithm developed to predict the effect of missense changes on protein structure and function (PolyPhen-2) suggests that this variant¬†is likely to be tolerated. In summary, the available evidence is currently insufficient to determine the role of this variant in disease. Therefore, it has been classified as a Variant of Uncertain Significance.

Athena Diagnostics
Classification: Uncertain significance. Last evaluated: 2022-03-21. Review status: criteria provided, single submitter. Criteria: Athena Diagnostics Criteria. Collection method: clinical testing. Allele origin: unknown.

Eurofins Ntd Llc (ga)
Classification: Uncertain significance. Last evaluated: 2015-02-10. Review status: criteria provided, single submitter. Criteria: EGL Classification Definitions 2015. Collection method: clinical testing. Allele origin: germline. Observed: 1 variant allele, 1 heterozygote.

Breakthrough Genomics
Classification: Uncertain significance. Review status: criteria provided, single submitter. Criteria: ACMG Guidelines, 2015. Collection method: not provided. Allele origin: germline. Inheritance: Autosomal recessive inheritance. Affected: yes.